The following is an entry in ClinVar:

ClinVar aggregate classification (germline): Uncertain significance (1 of 4 stars; one submission).

gnomAD v4.1: 1 of 692,800 alleles (0.00014%); highest among the groups gnomAD compares: East Asian, 0.0027%; no homozygotes.

Submission:

Women's Health and Genetics/Laboratory Corporation of America, LabCorp
Classification: Uncertain significance. Last evaluated: 2023-08-08. Review status: criteria provided, single submitter. Criteria: LabCorp Variant Classification Summary - May 2015. Collection method: clinical testing. Allele origin: germline.
Comment: Variant summary: RMRP n.10T>C (also known as n.9T>C) alters a conserved nucleotide in the non-coding RNA sequence. The variant allele was found at a frequency of 7.8e-06 in 128842 control chromosomes (gnomAD). The variant, n.10T>C, has been reported in the literature in at least one compound heterozygous individual affected with Cartilage-Hair Hypoplasia, who also carried a second pathogenic variant (Hermanns_2006). To our knowledge, no experimental evidence demonstrating an impact on protein function has been reported. One in silico study analyzing the local structural effects of SNPs using RNA folding algorithms, predicted this variant to have a significant structural effect (Sabarinathan_2012). In addition, a different variant, affecting the same nucleotide, n.10T>A, has been described in a patient affected with Cartilage-Hair hypoplasia (HGMD), further supporting a structural importance for this nucleotide. The following publications have been ascertained in the context of this evaluation (PMID: 16838329, 21956908, 23315997, 17701897, 21396580). No other submitters have cited clinical-significance assessments for this variant to ClinVar after 2014. Based on the evidence outlined above, the variant was classified as VUS-possibly pathogenic.

Literature cited by the submitters: PubMed 17701897; PubMed 16838329; PubMed 21956908; PubMed 21396580; PubMed 23315997.

NR_003051.4(RMRP):n.11T>C

Gene: RMRP (RNA component of mitochondrial RNA processing endoribonuclease; minus strand). Cytogenetic location: 9p13.3.
Variant type: single nucleotide variant.
Genome position: GRCh38 VCF-style: chr9-35658009-A-G. GRCh37 (hg19) VCF-style: chr9-35658006-A-G.
Identifiers: ClinVar variation 1683417 (VCV001683417.3), dbSNP rs748814304, ClinGen allele CA192745729.